The following is an entry in ClinVar:

NM_033409.4(SLC52A3):c.97G>C (p.Glu33Gln)

Gene: SLC52A3 (solute carrier family 52 member 3; minus strand). Cytogenetic location: 20p13.
Variant type: single nucleotide variant.
Coding change: c.97G>C on transcript NM_033409.4 (MANE Select); coding-DNA position 97, G replaced by C.
Protein change: p.Glu33Gln; replaces glutamic acid 33 with glutamine.
Molecular consequence: missense variant.
Genome position (GRCh38, 1-based): chr20:765,678, C>G on the plus strand (G>C on the coding strand, the complement: SLC52A3 is on the minus strand). VCF-style: chr20-765678-C-G. GRCh37 (hg19) VCF-style: chr20-746322-C-G.
Other names: c.97G>C, p.Glu33Gln (NM_001370085.1, NM_001370086.1); short protein forms E33Q.
Identifiers: ClinVar variation 666753 (VCV000666753.21), dbSNP rs199861879, ClinGen allele CA9724831.
Genomic context (GRCh38, chr20:765,678, plus strand): 5'-TGTTGGCCAGCTGGATGACCACCGTGAGGTAGGAGGGCAGGTACCAGCCCTCGGGCAGCT[C>G]CATCACCAGCAGGGGCAGCTCTACCCAGAGCCCATTGATGGTCACCCAGGAGCCCATTCC-3'
Protein context (NP_212134.3, residues 23-43): LWVELPLLVM[Glu33Gln]LPEGWYLPSY

ClinVar aggregate classification (germline): Likely benign. Review status: criteria provided, multiple submitters, no conflicts (2 of 4 stars). 5 submissions from 5 submitters: Likely benign (4). 1 of the submissions does not count toward it. Last evaluated 2026-01-06.

Conditions:
Brown-Vialetto-van Laere syndrome 1. Also called: BROWN-VIALETTO-VAN LAERE SYNDROME 1, MILD; BULBAR PALSY, PROGRESSIVE, WITH SENSORINEURAL DEAFNESS; PONTOBULBAR PALSY WITH DEAFNESS. Identifiers: Orphanet 572550, Orphanet 97229, MedGen C0796274, MONDO:0024537, OMIM 211530.
Inborn genetic diseases. Identifiers: MedGen C0950123, MeSH D030342.
SLC52A3-related disorder. Also called: SLC52A3-related condition.

Allele frequency attached by ClinVar (database versions not stated): TOPMed 0.00027; 1000 Genomes Project 30x 0.00016; gnomAD exomes 0.00028 and 0.00066; gnomAD 0.00011 and 0.00012; ExAC 0.00058.
gnomAD v4.1: 187 of 1,613,536 alleles (0.012%); highest among the groups gnomAD compares: Admixed American, 0.31%; 1 homozygote.

Submissions (5):

Labcorp Genetics (formerly Invitae), Labcorp
Classification: Likely benign for Brown-Vialetto-van Laere syndrome 1. Last evaluated: 2026-01-06. Review status: criteria provided, single submitter. Criteria: Invitae Variant Classification Sherloc (09022015). Collection method: clinical testing. Allele origin: germline.

Ambry Genetics
Classification: Likely benign for Inborn genetic diseases. Last evaluated: 2020-12-19. Review status: criteria provided, single submitter. Criteria: Ambry Variant Classification Scheme 2023. Collection method: clinical testing. Allele origin: germline.

GeneDx
Classification: Likely benign. Last evaluated: 2020-10-14. Review status: criteria provided, single submitter. Criteria: GeneDx Variant Classification Process June 2021. Collection method: clinical testing. Allele origin: germline. Affected: yes.

Laboratory for Molecular Medicine, Mass General Brigham Personalized Medicine
Classification: Likely benign. Last evaluated: 2017-08-23. Review status: criteria provided, single submitter. Criteria: LMM Criteria. Collection method: clinical testing. Allele origin: germline. Observed: 1 variant allele.
Comment: p.Glu33Gln in exon 2 of SLC52A3: This variant is not expected to have clinical s ignificance because it has been identified in 0.61% (63/10320) of Latino chromos omes by the Exome Aggregation Consortium (ExAC; dbSNP rs199861879).

PreventionGenetics, part of Exact Sciences
Classification: Likely benign for SLC52A3-related condition. Last evaluated: 2020-08-28. Review status: no assertion criteria provided. Collection method: clinical testing. Allele origin: germline. Not counted in ClinVar's aggregate classification.
Comment: This variant is classified as likely benign based on ACMG/AMP sequence variant interpretation guidelines (Richards et al. 2015 PMID: 25741868, with internal and published modifications).